The following is an entry in ClinVar:

NM_014795.4(ZEB2):c.3157A>G (p.Lys1053Glu)

Gene: ZEB2 (zinc finger E-box binding homeobox 2; minus strand). Cytogenetic location: 2q22.3.
Variant type: single nucleotide variant.
Coding change: c.3157A>G on transcript NM_014795.4 (MANE Select); coding-DNA position 3157, A replaced by G.
Protein change: p.Lys1053Glu; replaces lysine 1053 with glutamic acid.
Molecular consequence: missense variant.
Genome position (GRCh38, 1-based): chr2:144,389,939, T>C on the plus strand (A>G on the coding strand, the complement: ZEB2 is on the minus strand). VCF-style: chr2-144389939-T-C. GRCh37 (hg19) VCF-style: chr2-145147506-T-C.
Other names: c.3085A>G, p.Lys1029Glu (NM_001171653.2); short protein forms K1029E, K1053E.
Identifiers: ClinVar variation 3368766 (VCV003368766.1).

ClinVar aggregate classification (germline): Uncertain significance (1 of 4 stars; one submission).

Submission:

GeneDx
Classification: Uncertain significance. Last evaluated: 2024-02-02. Review status: criteria provided, single submitter. Criteria: GeneDx Variant Classification Process June 2021. Collection method: clinical testing. Allele origin: germline. Affected: yes.
Comment: Not observed at significant frequency in large population cohorts (gnomAD); In silico analysis supports that this missense variant has a deleterious effect on protein structure/function; Has not been previously published as pathogenic or benign to our knowledge; This variant is associated with the following publications: (PMID: 16053902)